The following is an entry in ClinVar:

ClinVar aggregate classification (germline): Benign/Likely benign. Review status: criteria provided, multiple submitters, no conflicts (2 of 4 stars). 2 submissions from 2 submitters: Benign (1); Likely benign (1). Last evaluated 2025-12-21.

Conditions:
Early Myoclonic Encephalopathy. Identifiers: MedGen C0270855.

Allele frequency attached by ClinVar (database versions not stated): TOPMed 0.00009; gnomAD exomes 0.00026 and 0.00049; gnomAD 0.00034 and 0.00036; ExAC 0.00055.
gnomAD v4.1: 436 of 1,614,070 alleles (0.027%); highest among the groups gnomAD compares: Non-Finnish European, 0.021%; 1 homozygote.

Submissions (2):

Labcorp Genetics (formerly Invitae), Labcorp
Classification: Benign for Early Myoclonic Encephalopathy. Last evaluated: 2025-12-21. Review status: criteria provided, single submitter. Criteria: Invitae Variant Classification Sherloc (09022015). Collection method: clinical testing. Allele origin: germline.

CeGaT Center for Human Genetics Tuebingen
Classification: Likely benign. Last evaluated: 2022-03-01. Review status: criteria provided, single submitter. Criteria: CeGaT Center For Human Genetics Tuebingen Variant Classification Criteria Version 2. Collection method: clinical testing. Allele origin: germline. Affected: yes. Observed: 1 variant allele.
Comment: JMJD1C: BP4, BP7

NM_032776.3(JMJD1C):c.3807A>G (p.Glu1269=)

Gene: JMJD1C (jumonji domain containing 1C; minus strand). Cytogenetic location: 10q21.3.
Variant type: single nucleotide variant.
Coding change: c.3807A>G on transcript NM_032776.3 (MANE Select); coding-DNA position 3807, A replaced by G.
Protein change: p.Glu1269=; no amino-acid change (glutamic acid 1269 retained).
Molecular consequence: synonymous variant. On other transcripts: non-coding transcript variant (1).
Genome position (GRCh38, 1-based): chr10:63,207,862, T>C on the plus strand (A>G on the coding strand, the complement: JMJD1C is on the minus strand). VCF-style: chr10-63207862-T-C. GRCh37 (hg19) VCF-style: chr10-64967622-T-C.
Other names: c.3261A>G, p.Glu1087= (NM_001282948.2, NM_001318154.2); c.2943A>G, p.Glu981= (NM_001318153.2); c.3693A>G, p.Glu1231= (NM_001322252.2); c.3150A>G, p.Glu1050= (NM_001322254.2, NM_001322258.2).
Identifiers: ClinVar variation 756622 (VCV000756622.34), dbSNP rs527526754, ClinGen allele CA5518377.
Genomic context (GRCh38, chr10:63,207,862, plus strand): 5'-CCATTCAGTTTTCTCTTTGCTGAGGTTATTATTAGGTCTCCACATCTCCGTCAAACTCTG[T>C]TCTGAAGAACTCTTAAAATTTGCCTGGGAGTCTTTTGGTTCGGGTATTAGAGTTGGAGGC-3'
Protein context (NP_116165.1, residues 1259-1279): DSQANFKSSS[Glu1269=]QSLTEMWRPN